The following is an entry in ClinVar:

NM_003072.5(SMARCA4):c.2975T>G (p.Val992Gly)

Gene: SMARCA4 (SWI/SNF related BAF chromatin remodeling complex subunit ATPase 4; plus strand). Cytogenetic location: 19p13.2.
Variant type: single nucleotide variant.
Coding change: c.2975T>G on transcript NM_003072.5 (MANE Select); coding-DNA position 2975, T replaced by G.
Protein change: p.Val992Gly; replaces valine 992 with glycine.
Molecular consequence: missense variant. On other transcripts: non-coding transcript variant (1).
Genome position (GRCh38, 1-based): chr19:11,024,332, T>G. VCF-style: chr19-11024332-T-G. GRCh37 (hg19) VCF-style: chr19-11135008-T-G.
Other names: c.2975T>G, p.Val992Gly (NM_001128844.3, NM_001128845.2, NM_001128846.2 and 6 more transcripts); short protein forms V992G.
Identifiers: ClinVar variation 4850764 (VCV004850764.1).
Genomic context (GRCh38, chr19:11,024,332, plus strand): 5'-GGGGGGAGTCAGGCCTCAAGCCACCTTGGGCCCTCGTGAGCATTATGTGTCCCCTGCAGG[T>G]GGAGTACGTCATCAAGTGCGACATGTCTGCGCTGCAGCGAGTGCTCTACCGCCACATGCA-3'
Protein context (NP_003063.2, residues 982-1002): KEVEAQLPEK[Val992Gly]EYVIKCDMSA

ClinVar aggregate classification (germline): Likely pathogenic (1 of 4 stars; one submission).

Conditions:
Intellectual disability, autosomal dominant 16 (CSS4). Also called: COFFIN-SIRIS SYNDROME 4. Identifiers: Orphanet 1465, MedGen C3553249, MONDO:0013821, OMIM 614609.

Submission:

Variantyx, Inc.
Classification: Likely pathogenic for Intellectual disability, autosomal dominant 16. Last evaluated: 2025-10-24. Review status: criteria provided, single submitter. Criteria: Variantyx Assertion Criteria 2022. Collection method: clinical testing. Allele origin: de novo. Inheritance: Autosomal dominant inheritance. Affected: yes.
Comment: This is a nonsynonymous variant in the SMARCA4 gene (OMIM: 603254). Pathogenic variants in this gene have been associated with autosomal dominant Coffin-Siris syndrome 4. The clinical symptoms reported for this individual are highly specific for autosomal dominant Coffin-Siris syndrome 4, which has a limited genetic etiology (PMID:23556151) (PP4). Multiple computational algorithms predict a deleterious effect for this variant (REVEL score: 0.917) (PP3). This variant is absent from control populations (PM2) and it has not been reported in individuals with SMARCA4-related disorders in the databases available for review. Based on the current evidence, this variant is classified as likely pathogenic for autosomal dominant Coffin-Siris syndrome 4.

Literature cited by the submitters: PubMed 23556151.